The following is an entry in ClinVar:

NM_014991.6(WDFY3):c.5593C>T (p.Arg1865Ter)

Gene: WDFY3 (WD repeat and FYVE domain containing 3; minus strand). Cytogenetic location: 4q21.23.
Variant type: single nucleotide variant.
Coding change: c.5593C>T on transcript NM_014991.6 (MANE Select); coding-DNA position 5593, C replaced by T.
Protein change: p.Arg1865Ter; replaces arginine 1865 with a stop codon.
Molecular consequence: nonsense.
Genome position (GRCh38, 1-based): chr4:84,753,843, G>A on the plus strand (C>T on the coding strand, the complement: WDFY3 is on the minus strand). VCF-style: chr4-84753843-G-A. GRCh37 (hg19) VCF-style: chr4-85674996-G-A.
Other names: short protein forms R1865*.
Identifiers: ClinVar variation 3469098 (VCV003469098.2).
Genomic context (GRCh38, chr4:84,753,843, plus strand): 5'-GGTCTGGCACGTTGTGATACAAATATCTGAAGAACTGCATCAGGGTCACAGGATATTCTC[G>A]GAGCCAAGATCCCTCTTCTTCTGATTGCCAAGGCTGTTATGGGGACATGAGAGGAAACAC-3'

ClinVar aggregate classification (germline): Pathogenic/Likely pathogenic. Review status: criteria provided, multiple submitters, no conflicts (2 of 4 stars). 2 submissions from 2 submitters: Pathogenic (1); Likely pathogenic (1). Last evaluated 2024-07-26.

Conditions:
Inborn genetic diseases. Identifiers: MedGen C0950123, MeSH D030342.
WDFY3-related disorder.

gnomAD v4.1: 1 of 1,605,452 alleles (0.000062%); highest among the groups gnomAD compares: Non-Finnish European, 0.000085%; no homozygotes.

Submissions (2):

Ambry Genetics
Classification: Pathogenic for Inborn genetic diseases. Last evaluated: 2024-07-26. Review status: criteria provided, single submitter. Criteria: Ambry Variant Classification Scheme 2023. Collection method: clinical testing. Allele origin: germline.
Comment: The c.5593C>T (p.R1865*) alteration, located in exon 35 (coding exon 32) of the WDFY3 gene, consists of a C to T substitution at nucleotide position 5593. This changes the amino acid from an arginine (R) to a stop codon at amino acid position 1865. This alteration is expected to result in loss of function by premature protein truncation or nonsense-mediated mRNA decay. This variant was not reported in population-based cohorts in the Genome Aggregation Database (gnomAD). Based on the available evidence, this alteration is classified as pathogenic.

Blueprint Genetics
Classification: Likely pathogenic for WDFY3-related disorders. Last evaluated: 2023-10-11. Review status: criteria provided, single submitter. Criteria: ACMG Guidelines, 2015. Collection method: clinical testing. Allele origin: germline. Affected: yes. Observed: 1 variant allele.